The following is an entry in ClinVar:

NM_020778.5(ALPK3):c.965A>T (p.Glu322Val)

Gene: ALPK3 (alpha kinase 3; plus strand). Cytogenetic location: 15q25.3.
Variant type: single nucleotide variant.
Coding change: c.965A>T on transcript NM_020778.5 (MANE Select); coding-DNA position 965, A replaced by T.
Protein change: p.Glu322Val; replaces glutamic acid 322 with valine.
Molecular consequence: missense variant.
Genome position (GRCh38, 1-based): chr15:84,840,244, A>T. VCF-style: chr15-84840244-A-T. GRCh37 (hg19) VCF-style: chr15-85383475-A-T.
Other names: c.1571A>T (NM_020778.4); short protein forms E322V.
Identifiers: ClinVar variation 2757719 (VCV002757719.4), dbSNP rs2505705763, ClinGen allele CA393373920.

ClinVar aggregate classification (germline): Uncertain significance. Review status: criteria provided, multiple submitters, no conflicts (2 of 4 stars). 2 submissions from 2 submitters: Uncertain significance (2). Last evaluated 2024-09-05.

Conditions:
Cardiovascular phenotype. Identifiers: MedGen CN230736.

Submissions (2):

Ambry Genetics
Classification: Uncertain significance for Cardiovascular phenotype. Last evaluated: 2024-09-05. Review status: criteria provided, single submitter. Criteria: Ambry Variant Classification Scheme 2023. Collection method: clinical testing. Allele origin: germline.
Comment: The p.E524V variant (also known as c.1571A>T), located in coding exon 5 of the ALPK3 gene, results from an A to T substitution at nucleotide position 1571. The glutamic acid at codon 524 is replaced by valine, an amino acid with dissimilar properties. This amino acid position is conserved. In addition, this alteration is predicted to be tolerated by in silico analysis. Based on the available evidence, the clinical significance of this variant remains unclear.

Labcorp Genetics (formerly Invitae), Labcorp
Classification: Uncertain significance. Last evaluated: 2023-10-27. Review status: criteria provided, single submitter. Criteria: Invitae Variant Classification Sherloc (09022015). Collection method: clinical testing. Allele origin: germline.
Comment: This sequence change replaces glutamic acid, which is acidic and polar, with valine, which is neutral and non-polar, at codon 524 of the ALPK3 protein (p.Glu524Val). This variant is not present in population databases (gnomAD no frequency). This variant has not been reported in the literature in individuals affected with ALPK3-related conditions. An algorithm developed to predict the effect of missense changes on protein structure and function (PolyPhen-2) suggests that this variant is likely to be disruptive. In summary, the available evidence is currently insufficient to determine the role of this variant in disease. Therefore, it has been classified as a Variant of Uncertain Significance.